The following is an entry in ClinVar:

ClinVar aggregate classification (germline): Uncertain significance (1 of 4 stars; one submission).

Conditions:
Emery-Dreifuss muscular dystrophy (EDMD). Also called: Scapuloperoneal syndrome, X-linked (formerly); Humeroperoneal neuromuscular disease, (formerly). Identifiers: Orphanet 261, MedGen C0410189, MONDO:0016830.

Allele frequency attached by ClinVar (database versions not stated): ESP Exome Variant Server 0.00029; gnomAD exomes 0.00001 and 0.00002; ExAC 0.00003; gnomAD 0.00005; TOPMed 0.00005.
gnomAD v4.1: 20 of 1,609,746 alleles (0.0012%); highest among the groups gnomAD compares: African/African-American, 0.0093%; no homozygotes.

Submission:

Labcorp Genetics (formerly Invitae), Labcorp
Classification: Uncertain significance for Emery-Dreifuss muscular dystrophy. Last evaluated: 2021-08-27. Review status: criteria provided, single submitter. Criteria: Invitae Variant Classification Sherloc (09022015). Collection method: clinical testing. Allele origin: germline.
Comment: This sequence change replaces alanine with valine at codon 241 of the SUN1 protein (p.Ala241Val). The alanine residue is weakly conserved and there is a small physicochemical difference between alanine and valine. This variant is present in population databases (rs369311027, ExAC 0.03%). This variant has not been reported in the literature in individuals affected with SUN1-related conditions. Algorithms developed to predict the effect of missense changes on protein structure and function output the following: SIFT: "Tolerated"; PolyPhen-2: "Benign"; Align-GVGD: "Class C0". The valine amino acid residue is found in multiple mammalian species, which suggests that this missense change does not adversely affect protein function. Algorithms developed to predict the effect of sequence changes on RNA splicing suggest that this variant may create or strengthen a splice site. In summary, the available evidence is currently insufficient to determine the role of this variant in disease. Therefore, it has been classified as a Variant of Uncertain Significance.

NM_001130965.3(SUN1):c.722C>T (p.Ala241Val)

Gene: SUN1 (Sad1 and UNC84 domain containing 1; plus strand). Cytogenetic location: 7p22.3.
Variant type: single nucleotide variant.
Coding change: c.722C>T on transcript NM_001130965.3 (MANE Select); coding-DNA position 722, C replaced by T.
Protein change: p.Ala241Val; replaces alanine 241 with valine.
Molecular consequence: missense variant. On other transcripts: synonymous variant (1), non-coding transcript variant (3), intron variant (12).
Genome position (GRCh38, 1-based): chr7:851,447, C>T. VCF-style: chr7-851447-C-T. GRCh37 (hg19) VCF-style: chr7-891084-C-T.
Other names: c.722C>T, p.Ala241Val (NM_001367633.1, NM_001367634.1, NM_001367653.1 and 3 more transcripts); c.376C>T, p.Arg126Cys (NM_001367635.1); c.965C>T, p.Ala322Val (NM_001367636.1, NM_001367655.1, NM_001367666.1 and 1 more transcripts); c.833C>T, p.Ala278Val (NM_001367638.1, NM_001367664.1, NM_001367685.1 and 1 more transcripts); c.266C>T, p.Ala89Val (NM_001367639.1); c.1004C>T, p.Ala335Val (NM_001367641.1, NM_001367682.1, NM_001367698.1); c.917C>T, p.Ala306Val (NM_001367643.1, NM_001367693.1, NM_001367697.1); c.656C>T, p.Ala219Val (NM_001367644.1, NM_001367680.1, NM_001367701.1); and 24 more; short protein forms A215V, A228V, A285V, A294V, A335V, A344V, A52V, A257V.
Identifiers: ClinVar variation 835988 (VCV000835988.4), dbSNP rs369311027, ClinGen allele CA4111894.
Genomic context (GRCh38, chr7:851,447, plus strand): 5'-ACTTCTTGCTGCAGATTCTGCGCAGGATCGGAGCTGTGGGCCAGGCTGTGTCCAGGACGG[C>T]GTGGTCGGCCCTTTGGCTGGCCGTGGTTGCTCCAGGTGGCTATTTTGGGTTTCTGTGTTG-3'
Protein context (NP_001124437.1, residues 231-251): GAVGQAVSRT[Ala241Val]WSALWLAVVA